The following is an entry in ClinVar:

NM_002691.4(POLD1):c.2321T>G (p.Leu774Arg)

Gene: POLD1 (DNA polymerase delta 1, catalytic subunit; plus strand). Cytogenetic location: 19q13.33.
Variant type: single nucleotide variant.
Coding change: c.2321T>G on transcript NM_002691.4 (MANE Select); coding-DNA position 2321, T replaced by G.
Protein change: p.Leu774Arg; replaces leucine 774 with arginine.
Molecular consequence: missense variant. On other transcripts: non-coding transcript variant (1).
Genome position (GRCh38, 1-based): chr19:50,413,812, T>G. VCF-style: chr19-50413812-T-G. GRCh37 (hg19) VCF-style: chr19-50917069-T-G.
Other names: c.2321T>G, p.Leu774Arg (NM_001256849.1); c.2399T>G, p.Leu800Arg (NM_001308632.1); short protein forms L774R, L800R.
Identifiers: ClinVar variation 1789587 (VCV001789587.2), dbSNP rs2039177743, ClinGen allele CA406984174.
Genomic context (GRCh38, chr19:50,413,812, plus strand): 5'-GTGACACTGACTCCGTCATGTGCCGATTCGGCGTGTCCTCGGTGGCTGAGGCGATGGCCC[T>G]GGGGCGGGAGGCCGCGGACTGGGTGTCAGGTCACTTCCCGTCGCCCATCCGGCTGGAGTT-3'
Protein context (NP_002682.2, residues 764-784): GVSSVAEAMA[Leu774Arg]GREAADWVSG

ClinVar aggregate classification (germline): Uncertain significance (1 of 4 stars; one submission).

Conditions:
Hereditary cancer-predisposing syndrome. Also called: Hereditary Cancer Syndrome; Hereditary neoplastic syndrome; Tumor predisposition; Neoplastic Syndromes, Hereditary. Identifiers: Orphanet 140162, MedGen C0027672, MeSH D009386, MONDO:0015356.

Submission:

Ambry Genetics
Classification: Uncertain significance for Hereditary cancer-predisposing syndrome. Last evaluated: 2021-09-01. Review status: criteria provided, single submitter. Criteria: Ambry Variant Classification Scheme 2023. Collection method: clinical testing. Allele origin: germline.
Comment: The p.L774R variant (also known as c.2321T>G), located in coding exon 18 of the POLD1 gene, results from a T to G substitution at nucleotide position 2321. The leucine at codon 774 is replaced by arginine, an amino acid with dissimilar properties. This amino acid position is conserved. In addition, the in silico prediction for this alteration is inconclusive. Since supporting evidence is limited at this time, the clinical significance of this alteration remains unclear.